The following is an entry in ClinVar:

NM_001358530.2(MOCS1):c.762C>G (p.Asn254Lys)

Gene: MOCS1 (molybdenum cofactor synthesis 1; minus strand). Cytogenetic location: 6p21.2.
Variant type: single nucleotide variant.
Coding change: c.762C>G on transcript NM_001358530.2 (MANE Select); coding-DNA position 762, C replaced by G.
Protein change: p.Asn254Lys; replaces asparagine 254 with lysine.
Molecular consequence: missense variant. On other transcripts: non-coding transcript variant (1).
Genome position (GRCh38, 1-based): chr6:39,913,000, G>C on the plus strand (C>G on the coding strand, the complement: MOCS1 is on the minus strand). VCF-style: chr6-39913000-G-C. GRCh37 (hg19) VCF-style: chr6-39880744-G-C.
Other names: c.762C>G, p.Asn254Lys (NM_001075098.4, NM_001358529.2, NM_005943.6); c.501C>G, p.Asn167Lys (NM_001358531.2, NM_001358533.2, NM_001358534.2); short protein forms N167K, N254K.
Identifiers: ClinVar variation 2129253 (VCV002129253.4), dbSNP rs757141125, ClinGen allele CA364043813.

ClinVar aggregate classification (germline): Uncertain significance (1 of 4 stars; one submission).

Conditions:
Sulfite oxidase deficiency due to molybdenum cofactor deficiency type A. Also called: Molybdenum cofactor deficiency, complementation group A; Molybdenum Cofactor Deficiency A. Identifiers: Orphanet 308386, Orphanet 833, MedGen C1854988, MONDO:0009643, OMIM 252150.

Submission:

Labcorp Genetics (formerly Invitae), Labcorp
Classification: Uncertain significance for Sulfite oxidase deficiency due to molybdenum cofactor deficiency type A. Last evaluated: 2022-04-22. Review status: criteria provided, single submitter. Criteria: Invitae Variant Classification Sherloc (09022015). Collection method: clinical testing. Allele origin: germline.
Comment: In summary, the available evidence is currently insufficient to determine the role of this variant in disease. Therefore, it has been classified as a Variant of Uncertain Significance. Algorithms developed to predict the effect of missense changes on protein structure and function are either unavailable or do not agree on the potential impact of this missense change (SIFT: "Not Available"; PolyPhen-2: "Probably Damaging"; Align-GVGD: "Not Available"). This variant has not been reported in the literature in individuals affected with MOCS1-related conditions. This variant is not present in population databases (gnomAD no frequency). This sequence change replaces asparagine, which is neutral and polar, with lysine, which is basic and polar, at codon 254 of the MOCS1 protein (p.Asn254Lys).